The following is an entry in ClinVar:

NM_005591.4(MRE11):c.1369G>A (p.Ala457Thr)

Gene: MRE11 (MRE11 double strand break repair nuclease; minus strand). Cytogenetic location: 11q21.
Variant type: single nucleotide variant.
Coding change: c.1369G>A on transcript NM_005591.4 (MANE Select); coding-DNA position 1369, G replaced by A.
Protein change: p.Ala457Thr; replaces alanine 457 with threonine.
Molecular consequence: missense variant.
Genome position (GRCh38, 1-based): chr11:94,459,539, C>T on the plus strand (G>A on the coding strand, the complement: MRE11 is on the minus strand). VCF-style: chr11-94459539-C-T. GRCh37 (hg19) VCF-style: chr11-94192705-C-T.
Other names: c.1369G>A, p.Ala457Thr (NM_001330347.2, NM_005590.4); short protein forms A457T.
Identifiers: ClinVar variation 534778 (VCV000534778.11), dbSNP rs1555009409, ClinGen allele CA382371971.

ClinVar aggregate classification (germline): Uncertain significance. Review status: criteria provided, multiple submitters, no conflicts (2 of 4 stars). 2 submissions from 2 submitters: Uncertain significance (2). Last evaluated 2023-11-12.

Conditions:
Ataxia-telangiectasia-like disorder 1 (ATLD1). Identifiers: Orphanet 251347, MedGen C4012790, MONDO:0024557, OMIM 604391.
Ataxia-telangiectasia-like disorder (ATLD). Identifiers: MedGen C1858391, MONDO:0011457.

Allele frequency attached by ClinVar (database versions not stated): gnomAD exomes below 0.00001.
gnomAD v4.1: 1 of 1,614,082 alleles (0.000062%); highest among the groups gnomAD compares: South Asian, 0.0011%; no homozygotes.

Submissions (2):

Baylor Genetics
Classification: Uncertain significance for Ataxia-telangiectasia-like disorder 1. Last evaluated: 2023-11-12. Review status: criteria provided, single submitter. Criteria: ACMG Guidelines, 2015. Collection method: clinical testing. Allele origin: unknown.

Labcorp Genetics (formerly Invitae), Labcorp
Classification: Uncertain significance for Ataxia-telangiectasia-like disorder. Last evaluated: 2023-05-25. Review status: criteria provided, single submitter. Criteria: Invitae Variant Classification Sherloc (09022015). Collection method: clinical testing. Allele origin: germline.
Comment: This variant has not been reported in the literature in individuals affected with MRE11-related conditions. In summary, the available evidence is currently insufficient to determine the role of this variant in disease. Therefore, it has been classified as a Variant of Uncertain Significance. An algorithm developed to predict the effect of missense changes on protein structure and function (PolyPhen-2) suggests that this variant is likely to be disruptive. ClinVar contains an entry for this variant (Variation ID: 534778). This variant is not present in population databases (gnomAD no frequency). This sequence change replaces alanine, which is neutral and non-polar, with threonine, which is neutral and polar, at codon 457 of the MRE11 protein (p.Ala457Thr).